The following is an entry in ClinVar:

NM_016507.4(CDK12):c.959G>C (p.Ser320Thr)

Genes: CDK12 (cyclin dependent kinase 12; plus strand), LOC126862553 (CDK7 strongly-dependent group 2 enhancer GRCh37_chr17:37618166-37619365; plus strand). Cytogenetic location: 17q12.
Variant type: single nucleotide variant.
Coding change: c.959G>C on transcript NM_016507.4 (MANE Select); coding-DNA position 959, G replaced by C.
Protein change: p.Ser320Thr; replaces serine 320 with threonine.
Molecular consequence: missense variant.
Genome position (GRCh38, 1-based): chr17:39,463,030, G>C. VCF-style: chr17-39463030-G-C. GRCh37 (hg19) VCF-style: chr17-37619283-G-C.
Other names: c.959G>C, p.Ser320Thr (NM_015083.4); short protein forms S320T.
Identifiers: ClinVar variation 4868569 (VCV004868569.1).

ClinVar aggregate classification (germline): Uncertain significance (1 of 4 stars; one submission).

Submission:

Ambry Genetics
Classification: Uncertain significance. Last evaluated: 2026-05-30. Review status: criteria provided, single submitter. Criteria: Ambry Variant Classification Scheme 2023. Collection method: clinical testing. Allele origin: germline.
Comment: The p.S320T variant (also known as c.959G>C), located in coding exon 1 of the CDK12 gene, results from a G to C substitution at nucleotide position 959. The serine at codon 320 is replaced by threonine, an amino acid with similar properties. This amino acid position is conserved. In addition, this alteration is predicted to be tolerated by in silico analysis. Based on the available evidence, the clinical significance of this variant remains unclear.